The following is an entry in ClinVar:

ClinVar aggregate classification (germline): Pathogenic (1 of 4 stars; one submission).

Conditions:
Hereditary cancer-predisposing syndrome. Also called: Neoplastic Syndromes, Hereditary; Tumor predisposition; Hereditary Cancer Syndrome; Hereditary neoplastic syndrome. Identifiers: Orphanet 140162, MedGen C0027672, MeSH D009386, MONDO:0015356.

Allele frequency attached by ClinVar (database versions not stated): gnomAD exomes below 0.00001.

Submission:

Ambry Genetics
Classification: Pathogenic for Hereditary cancer-predisposing syndrome. Last evaluated: 2016-08-12. Review status: criteria provided, single submitter. Criteria: Ambry Variant Classification Scheme 2023. Collection method: clinical testing. Allele origin: germline.
Comment: The c.1158_1159delAC pathogenic mutation, located in coding exon 8 of the RAD50 gene, results from a deletion of two nucleotides at nucleotide positions 1158 to 1159, causing a translational frameshift with a predicted alternate stop codon. This alteration is expected to result in loss of function by premature protein truncation or nonsense-mediated mRNA decay. As such, this alteration is interpreted as a disease-causing mutation.

NM_005732.4(RAD50):c.1158_1159del (p.Pro387fs)

Gene: RAD50 (RAD50 double strand break repair protein; plus strand). Cytogenetic location: 5q31.1.
Variant type: Deletion.
Coding change: c.1158_1159del on transcript NM_005732.4 (MANE Select); coding-DNA positions 1158 to 1159, 2 bases deleted (AC; older notation c.1158_1159delAC).
Protein change: p.Pro387fs; shifts the reading frame from proline 387.
Molecular consequence: frameshift variant.
Genome position (GRCh38, 1-based): chr5:132,588,793-132,588,794, AC deleted. VCF-style (leftmost placement, unchanged base first): chr5-132588792-GAC-G. GRCh37 (hg19) VCF-style: chr5-131924484-GAC-G.
Other names: short protein forms P387fs.
Identifiers: ClinVar variation 1735704 (VCV001735704.2), dbSNP rs1199799880, ClinGen allele CA563057502.